The following is an entry in ClinVar:

ClinVar aggregate classification (germline): Uncertain significance. Review status: criteria provided, multiple submitters, no conflicts (2 of 4 stars). 2 submissions from 2 submitters: Uncertain significance (2). Last evaluated 2024-01-04.

Conditions:
Dystonic disorder. Also called: Dystonia. Identifiers: MedGen C0013421, MONDO:0003441, HP:0001332.

Allele frequency attached by ClinVar (database versions not stated): gnomAD exomes below 0.00001 and 0.00001; gnomAD 0.00001; TOPMed 0.00003.
gnomAD v4.1: 16 of 1,614,040 alleles (0.00099%); highest among the groups gnomAD compares: Non-Finnish European, 0.0014%; no homozygotes.

Submissions (2):

Ambry Genetics
Classification: Uncertain significance. Last evaluated: 2024-01-04. Review status: criteria provided, single submitter. Criteria: Ambry Variant Classification Scheme 2023. Collection method: clinical testing. Allele origin: germline.

Labcorp Genetics (formerly Invitae), Labcorp
Classification: Uncertain significance for Dystonic disorder. Last evaluated: 2022-11-14. Review status: criteria provided, single submitter. Criteria: Invitae Variant Classification Sherloc (09022015). Collection method: clinical testing. Allele origin: germline.
Comment: This sequence change replaces glutamine, which is neutral and polar, with histidine, which is basic and polar, at codon 358 of the CIZ1 protein (p.Gln358His). This variant is present in population databases (no rsID available, gnomAD 0.0009%). This variant has not been reported in the literature in individuals affected with CIZ1-related conditions. ClinVar contains an entry for this variant (Variation ID: 1424998). Algorithms developed to predict the effect of missense changes on protein structure and function are either unavailable or do not agree on the potential impact of this missense change (SIFT: "Deleterious"; PolyPhen-2: "Benign"; Align-GVGD: "Class C0"). In summary, the available evidence is currently insufficient to determine the role of this variant in disease. Therefore, it has been classified as a Variant of Uncertain Significance.

NM_001131016.2(CIZ1):c.1074G>T (p.Gln358His)

Gene: CIZ1 (CDKN1A interacting zinc finger protein 1; minus strand). Cytogenetic location: 9q34.11.
Variant type: single nucleotide variant.
Coding change: c.1074G>T on transcript NM_001131016.2 (MANE Select); coding-DNA position 1074, G replaced by T.
Protein change: p.Gln358His; replaces glutamine 358 with histidine.
Molecular consequence: missense variant.
Genome position (GRCh38, 1-based): chr9:128,179,133, C>A on the plus strand (G>T on the coding strand, the complement: CIZ1 is on the minus strand). VCF-style: chr9-128179133-C-A. GRCh37 (hg19) VCF-style: chr9-130941412-C-A.
Other names: c.1074G>T, p.Gln358His (NM_001131015.2, NM_012127.3); c.1059G>T, p.Gln353His (NM_001131017.2); c.1002G>T, p.Gln334His (NM_001131018.2); c.1164G>T, p.Gln388His (NM_001257975.2); c.771G>T, p.Gln257His (NM_001257976.2); c.1074G>T (NM_012127.2); short protein forms Q334H, Q257H, Q353H, Q388H, Q358H.
Identifiers: ClinVar variation 1424998 (VCV001424998.9), dbSNP rs1425729580, ClinGen allele CA375028372.